The following is an entry in ClinVar:

NM_001367721.1(CASK):c.2041C>T (p.Arg681Ter)

Gene: CASK (calcium/calmodulin dependent serine protein kinase; minus strand). Cytogenetic location: Xp11.4.
Variant type: single nucleotide variant.
Coding change: c.2041C>T on transcript NM_001367721.1 (MANE Select); coding-DNA position 2041, C replaced by T.
Protein change: p.Arg681Ter; replaces arginine 681 with a stop codon.
Molecular consequence: nonsense.
Genome position (GRCh38, 1-based): chrX:41,542,805, G>A on the plus strand (C>T on the coding strand, the complement: CASK is on the minus strand). VCF-style: chrX-41542805-G-A. GRCh37 (hg19) VCF-style: chrX-41402058-G-A.
Other names: c.1972C>T, p.Arg658Ter (NM_001126054.3); c.1954C>T, p.Arg652Ter (NM_001126055.3); c.2023C>T, p.Arg675Ter (NM_001410745.1); c.2041C>T, p.Arg681Ter (NM_003688.4); short protein forms R681*, R658*, R652*, R675*.
Identifiers: ClinVar variation 158069 (VCV000158069.9), dbSNP rs587783360, ClinGen allele CA251012.

ClinVar aggregate classification (germline): Pathogenic. Review status: criteria provided, multiple submitters, no conflicts (2 of 4 stars). 4 submissions from 4 submitters: Pathogenic (3). 1 of the submissions does not count toward it. Last evaluated 2024-12-31.

Conditions:
Syndromic X-linked intellectual disability Najm type (MICPCH). Also called: Intellectual Disability and Microcephaly with Pontine and Cerebellar Hypoplasia; MICPCH SYNDROME; Intellectual developmental disorder and microcephaly with pontine and cerebellar hypoplasia; Mental retardation and microcephaly with pontine and cerebellar hypoplasia; MENTAL RETARDATION, X-LINKED, SYNDROMIC, NAJM TYPE; Intellectual Disability and Microcephaly with Pontine and Cerebellar Hypoplasia (MICPCH). Identifiers: Orphanet 163937, MedGen C2677903, MONDO:0010417, OMIM 300749.

Submissions (4):

Women's Health and Genetics/Laboratory Corporation of America, LabCorp
Classification: Pathogenic for Syndromic X-linked intellectual disability Najm type. Last evaluated: 2024-12-31. Review status: criteria provided, single submitter. Criteria: LabCorp Variant Classification Summary - May 2015. Collection method: clinical testing. Allele origin: germline.
Comment: Variant summary: CASK c.2041C>T (p.Arg681X) results in a premature termination codon, predicted to cause absence of the protein due to nonsense mediated decay, which are commonly known mechanisms for disease. The variant was absent in 182747 control chromosomes (gnomAD). c.2041C>T has been reported in the literature as a de novo occurrence in an individual affected with features of Syndromic X-Linked Intellectual Disability Najm Type (Murakami_2019). The following publication has been ascertained in the context of this evaluation (PMID: 31044082). ClinVar contains an entry for this variant (Variation ID: 158069). Based on the evidence outlined above, the variant was classified as pathogenic.

GeneDx
Classification: Pathogenic. Last evaluated: 2016-06-03. Review status: criteria provided, single submitter. Criteria: GeneDx Variant Classification (06012015). Collection method: clinical testing. Allele origin: germline. Affected: yes.
Comment: The R681X pathogenic variant in the CASK gene has not been reported previously as a pathogenic variant nor as a benign variant, to our knowledge. This variant is predicted to cause loss of normal protein function either through protein truncation or nonsense-mediated mRNA decay. The R681X variant was not observed in approximately 6,500 individuals of European and African American ancestry in the NHLBI Exome Sequencing Project, indicating it is not a common benign variant in these populations. We interpret R681X as a pathogenic variant.

Genetic Services Laboratory, University of Chicago
Classification: Pathogenic for Mental retardation and microcephaly with pontine and cerebellar hypoplasia. Last evaluated: 2014-04-28. Review status: criteria provided, single submitter. Criteria: ACMG Guidelines, 2007. Collection method: clinical testing. Allele origin: germline. Inheritance: X-linked inheritance. Affected: yes.

Service de Génétique Moléculaire, Hôpital Robert Debré
Classification: Pathogenic for Syndromic X-linked intellectual disability Najm type. Review status: no assertion criteria provided. Collection method: clinical testing. Allele origin: unknown. Affected: yes. Not counted in ClinVar's aggregate classification.

Literature cited by the submitters: PubMed 31044082 (cited by Women's Health and Genetics/Laboratory Corporation of America, LabCorp).